The following is an entry in ClinVar:

NM_020822.3(KCNT1):c.2411T>C (p.Ile804Thr)

Gene: KCNT1 (potassium sodium-activated channel subfamily T member 1; plus strand). Cytogenetic location: 9q34.3.
Variant type: single nucleotide variant.
Coding change: c.2411T>C on transcript NM_020822.3 (MANE Select); coding-DNA position 2411, T replaced by C.
Protein change: p.Ile804Thr; replaces isoleucine 804 with threonine.
Molecular consequence: missense variant.
Genome position (GRCh38, 1-based): chr9:135,777,399, T>C. VCF-style: chr9-135777399-T-C. GRCh37 (hg19) VCF-style: chr9-138669245-T-C.
Other names: c.2276T>C, p.Ile759Thr (NM_001272003.2); c.2411T>C (NM_020822.2); short protein forms I759T, I804T.
Identifiers: ClinVar variation 1474883 (VCV001474883.9), dbSNP rs2131543567, ClinGen allele CA375513276.

ClinVar aggregate classification (germline): Uncertain significance. Review status: criteria provided, multiple submitters, no conflicts (2 of 4 stars). 2 submissions from 2 submitters: Uncertain significance (2). Last evaluated 2025-06-22.

Conditions:
Autosomal dominant nocturnal frontal lobe epilepsy 5. Also called: KCNT1-Related Epilepsy; Epilepsy, nocturnal frontal lobe, 5; CILIARY DYSKINESIA, PRIMARY, 28, WITHOUT SITUS INVERSUS; CILIARY DYSKINESIA, PRIMARY, 28, WITH SITUS INVERSUS. Identifiers: Orphanet 98784, MedGen C3554306, MONDO:0014002, OMIM 615005.
Developmental and epileptic encephalopathy, 14 (DEE14). Also called: Early infantile epileptic encephalopathy 14. Identifiers: Orphanet 293181, MedGen C3554195, MONDO:0013989, OMIM 614959.

Submissions (2):

GeneDx
Classification: Uncertain significance. Last evaluated: 2025-06-22. Review status: criteria provided, single submitter. Criteria: GeneDx Variant Classification Process June 2021. Collection method: clinical testing. Allele origin: germline. Affected: yes.
Comment: Not observed at significant frequency in large population cohorts (gnomAD); In silico analysis supports that this missense variant has a deleterious effect on protein structure/function; Has not been previously published as pathogenic or benign to our knowledge

Labcorp Genetics (formerly Invitae), Labcorp
Classification: Uncertain significance for Autosomal dominant nocturnal frontal lobe epilepsy 5; Developmental and epileptic encephalopathy, 14. Last evaluated: 2021-05-10. Review status: criteria provided, single submitter. Criteria: Invitae Variant Classification Sherloc (09022015). Collection method: clinical testing. Allele origin: germline.
Comment: This sequence change replaces isoleucine with threonine at codon 804 of the KCNT1 protein (p.Ile804Thr). The isoleucine residue is highly conserved and there is a moderate physicochemical difference between isoleucine and threonine. In summary, the available evidence is currently insufficient to determine the role of this variant in disease. Therefore, it has been classified as a Variant of Uncertain Significance. Advanced modeling of protein sequence and biophysical properties (such as structural, functional, and spatial information, amino acid conservation, physicochemical variation, residue mobility, and thermodynamic stability) performed at Invitae indicates that this missense variant is expected to disrupt KCNT1 protein function. This variant has not been reported in the literature in individuals with KCNT1-related conditions. This variant is not present in population databases (ExAC no frequency).